The following is an entry in ClinVar:

NM_005633.4(SOS1):c.3325C>A (p.His1109Asn)

Gene: SOS1 (SOS Ras/Rac guanine nucleotide exchange factor 1; minus strand). Cytogenetic location: 2p22.1.
Variant type: single nucleotide variant.
Coding change: c.3325C>A on transcript NM_005633.4 (MANE Select); coding-DNA position 3325, C replaced by A.
Protein change: p.His1109Asn; replaces histidine 1109 with asparagine.
Molecular consequence: missense variant.
Genome position (GRCh38, 1-based): chr2:38,995,144, G>T on the plus strand (C>A on the coding strand, the complement: SOS1 is on the minus strand). VCF-style: chr2-38995144-G-T. GRCh37 (hg19) VCF-style: chr2-39222285-G-T.
Other names: c.3304C>A, p.His1102Asn (NM_001382394.1); c.3325C>A, p.His1109Asn (NM_001382395.1); short protein forms H1109N, H1102N.
Identifiers: ClinVar variation 2895305 (VCV002895305.4), dbSNP rs1452455488, ClinGen allele CA346360327.

ClinVar aggregate classification (germline): Uncertain significance. Review status: criteria provided, multiple submitters, no conflicts (2 of 4 stars). 2 submissions from 2 submitters: Uncertain significance (2). Last evaluated 2024-12-02.

Conditions:
Cardiovascular phenotype. Identifiers: MedGen CN230736.
RASopathy. Also called: Noonan spectrum disorder; rasopathies. Identifiers: Orphanet 536391, MedGen C5555857, MONDO:0021060.

Submissions (2):

Labcorp Genetics (formerly Invitae), Labcorp
Classification: Uncertain significance for RASopathy. Last evaluated: 2024-12-02. Review status: criteria provided, single submitter. Criteria: Invitae Variant Classification Sherloc (09022015). Collection method: clinical testing. Allele origin: germline.
Comment: This sequence change replaces histidine, which is basic and polar, with asparagine, which is neutral and polar, at codon 1109 of the SOS1 protein (p.His1109Asn). This variant is not present in population databases (gnomAD no frequency). This variant has not been reported in the literature in individuals affected with SOS1-related conditions. ClinVar contains an entry for this variant (Variation ID: 2895305). Invitae Evidence Modeling of protein sequence and biophysical properties (such as structural, functional, and spatial information, amino acid conservation, physicochemical variation, residue mobility, and thermodynamic stability) indicates that this missense variant is not expected to disrupt SOS1 protein function with a negative predictive value of 95%. In summary, the available evidence is currently insufficient to determine the role of this variant in disease. Therefore, it has been classified as a Variant of Uncertain Significance.

Ambry Genetics
Classification: Uncertain significance for Cardiovascular phenotype. Last evaluated: 2024-08-07. Review status: criteria provided, single submitter. Criteria: Ambry Variant Classification Scheme 2023. Collection method: clinical testing. Allele origin: germline.
Comment: The p.H1109N variant (also known as c.3325C>A), located in coding exon 20 of the SOS1 gene, results from a C to A substitution at nucleotide position 3325. The histidine at codon 1109 is replaced by asparagine, an amino acid with similar properties. This amino acid position is conserved. In addition, this alteration is predicted to be tolerated by in silico analysis. Based on the available evidence, the clinical significance of this variant remains unclear.